The following is an entry in ClinVar:

ClinVar aggregate classification (germline): Uncertain significance (1 of 4 stars; one submission).

Submission:

Labcorp Genetics (formerly Invitae), Labcorp
Classification: Uncertain significance. Last evaluated: 2021-11-05. Review status: criteria provided, single submitter. Criteria: Invitae Variant Classification Sherloc (09022015). Collection method: clinical testing. Allele origin: germline.
Comment: In summary, the available evidence is currently insufficient to determine the role of this variant in disease. Therefore, it has been classified as a Variant of Uncertain Significance. Algorithms developed to predict the effect of missense changes on protein structure and function output the following: SIFT: "Deleterious"; PolyPhen-2: "Benign"; Align-GVGD: "Class C0". The glutamic acid amino acid residue is found in multiple mammalian species, which suggests that this missense change does not adversely affect protein function. This variant has not been reported in the literature in individuals affected with LTBP2-related conditions. This variant is not present in population databases (gnomAD no frequency). This sequence change replaces aspartic acid, which is acidic and polar, with glutamic acid, which is acidic and polar, at codon 435 of the LTBP2 protein (p.Asp435Glu).

NM_000428.3(LTBP2):c.1305C>A (p.Asp435Glu)

Gene: LTBP2 (latent transforming growth factor beta binding protein 2; minus strand). Cytogenetic location: 14q24.3.
Variant type: single nucleotide variant.
Coding change: c.1305C>A on transcript NM_000428.3 (MANE Select); coding-DNA position 1305, C replaced by A.
Protein change: p.Asp435Glu; replaces aspartic acid 435 with glutamic acid.
Molecular consequence: missense variant.
Genome position (GRCh38, 1-based): chr14:74,552,281, G>T on the plus strand (C>A on the coding strand, the complement: LTBP2 is on the minus strand). VCF-style: chr14-74552281-G-T. GRCh37 (hg19) VCF-style: chr14-75018984-G-T.
Other names: short protein forms D435E.
Identifiers: ClinVar variation 1388963 (VCV001388963.6), dbSNP rs776291411, ClinGen allele CA390400262.
Genomic context (GRCh38, chr14:74,552,281, plus strand): 5'-CTGCTTCAGTGGGGCTTCCAGCAAGGCCCTGGGGCGGGACCCCCTCCCTGGAGGCTCCCT[G>T]TCCGGCTGCGGGATAGGCAGGTGGCAGAACTTCCCGGTGGAGTTGGCGGGGCACCAGCAT-3'
Protein context (NP_000419.1, residues 425-445): KFCHLPIPQP[Asp435Glu]REPPGRGSRP